The following is an entry in ClinVar:

ClinVar aggregate classification (germline): Benign. Review status: criteria provided, single submitter (1 of 4 stars). 2 submissions from 2 submitters: Benign (1). 1 of the submissions does not count toward it. Last evaluated 2025-02-27.

Conditions:
Frontometaphyseal dysplasia (FMD1). Identifiers: Orphanet 1826, MedGen C0265293, MONDO:0015942.
Melnick-Needles syndrome (MNS). Also called: MELNICK-NEEDLES OSTEODYSPLASTY; OSTEODYSPLASTY OF MELNICK AND NEEDLES; Melnick-Needles Syndrome (FLNA-MNS). Identifiers: Orphanet 2484, MedGen C0025237, MONDO:0010650, OMIM 309350.
Oto-palato-digital syndrome, type II (OPD2). Also called: FACIOPALATOOSSEOUS SYNDROME; Otopalatodigital Syndrome, Type II; OPD II SYNDROME; Otopalatodigital Syndrome Type 2 (FLNA-OPD2). Identifiers: Orphanet 669, Orphanet 90652, MedGen C1844696, MONDO:0010571, OMIM 304120.
Heterotopia, periventricular, X-linked dominant (PVNH1). Also called: PERIVENTRICULAR NODULAR HETEROTOPIA 1; X-linked periventricular heterotopia; PERIVENTRICULAR NODULAR HETEROTOPIA 4; HETEROTOPIA, PERIVENTRICULAR, 1. Identifiers: Orphanet 2149, Orphanet 82004, MedGen C1848213, MONDO:0010233, OMIM 300049.
FLNA-related disorder.

Allele frequency attached by ClinVar (database versions not stated): gnomAD 0.00003; TOPMed 0.00003; ExAC 0.00006; gnomAD exomes 0.00007.

Submissions (2):

Labcorp Genetics (formerly Invitae), Labcorp
Classification: Benign for Oto-palato-digital syndrome, type II; Heterotopia, periventricular, X-linked dominant; Frontometaphyseal dysplasia; Melnick-Needles syndrome. Last evaluated: 2025-02-27. Review status: criteria provided, single submitter. Criteria: Invitae Variant Classification Sherloc (09022015). Collection method: clinical testing. Allele origin: germline.

PreventionGenetics, part of Exact Sciences
Classification: Likely benign for FLNA-related condition. Last evaluated: 2022-05-25. Review status: no assertion criteria provided. Collection method: clinical testing. Allele origin: germline. Not counted in ClinVar's aggregate classification.
Comment: This variant is classified as likely benign based on ACMG/AMP sequence variant interpretation guidelines (Richards et al. 2015 PMID: 25741868, with internal and published modifications).

NM_001110556.2(FLNA):c.5139G>A (p.Thr1713=)

Gene: FLNA (filamin A; minus strand). Cytogenetic location: Xq28.
Variant type: single nucleotide variant.
Coding change: c.5139G>A on transcript NM_001110556.2 (MANE Select); coding-DNA position 5139, G replaced by A.
Protein change: p.Thr1713=; no amino-acid change (threonine 1713 retained).
Molecular consequence: synonymous variant.
Genome position (GRCh38, 1-based): chrX:154,354,903, C>T on the plus strand (G>A on the coding strand, the complement: FLNA is on the minus strand). VCF-style: chrX-154354903-C-T. GRCh37 (hg19) VCF-style: chrX-153583271-C-T.
Other names: c.5139G>A (NM_001110556.1); c.5115G>A, p.Thr1705= (NM_001456.4).
Identifiers: ClinVar variation 999151 (VCV000999151.9), dbSNP rs782460018, ClinGen allele CA10560383.